The following is an entry in ClinVar:

ClinVar aggregate classification (germline): Uncertain significance (1 of 4 stars; one submission).

Conditions:
Microcephaly, normal intelligence and immunodeficiency (NBS). Also called: IMMUNODEFICIENCY, MICROCEPHALY, AND CHROMOSOMAL INSTABILITY; SEEMANOVA SYNDROME II; Immunodeficiency, microcephaly with normal intelligence; Ataxia telangiectasia variant V1; Nijmegen breakage syndrome; Microcephaly with normal intelligence immunodeficiency and lymphoreticular malignancies. Identifiers: Orphanet 647, MedGen C0398791, MONDO:0009623, OMIM 251260.

Submission:

Labcorp Genetics (formerly Invitae), Labcorp
Classification: Uncertain significance for Microcephaly, normal intelligence and immunodeficiency. Last evaluated: 2016-08-24. Review status: criteria provided, single submitter. Criteria: Invitae Variant Classification Sherloc (09022015). Collection method: clinical testing. Allele origin: germline.
Comment: In summary, this variant is a novel missense change that is not predicted to affect protein function. There is no indication that it causes disease, but the available evidence is currently insufficient to prove that conclusively. Therefore, it has been classified as a Variant of Uncertain Significance. Algorithms developed to predict the effect of missense changes on protein structure and function (SIFT, PolyPhen-2, Align-GVGD) all suggest that this variant is likely to be tolerated, but these predictions have not been confirmed by published functional studies. This variant is not present in population databases (ExAC no frequency) and has not been reported in the literature in individuals with a NBN-related disease. This sequence change replaces asparagine with histidine at codon 129 of the NBN protein (p.Asn129His). The asparagine residue is moderately conserved and there is a small physicochemical difference between asparagine and histidine.

NM_002485.5(NBN):c.385A>C (p.Asn129His)

Gene: NBN (nibrin; minus strand). Cytogenetic location: 8q21.3.
Variant type: single nucleotide variant.
Coding change: c.385A>C on transcript NM_002485.5 (MANE Select); coding-DNA position 385, A replaced by C.
Protein change: p.Asn129His; replaces asparagine 129 with histidine.
Molecular consequence: missense variant.
Genome position (GRCh38, 1-based): chr8:89,980,829, T>G on the plus strand (A>C on the coding strand, the complement: NBN is on the minus strand). VCF-style: chr8-89980829-T-G. GRCh37 (hg19) VCF-style: chr8-90993057-T-G.
Other names: c.139A>C, p.Asn47His (NM_001024688.3); short protein forms N129H, N47H.
Identifiers: ClinVar variation 411770 (VCV000411770.9), dbSNP rs1060503477, ClinGen allele CA16612380.